The following is an entry in ClinVar:

ClinVar aggregate classification (germline): Likely pathogenic (1 of 4 stars; one submission).

Conditions:
Achromatopsia 2 (ACHM2). Also called: ROD MONOCHROMACY 2; ROD MONOCHROMATISM 2; COLORBLINDNESS, TOTAL. Identifiers: Orphanet 49382, MedGen C1857618, MONDO:0009003, OMIM 216900.

Submission:

First Genomix Gene Laboratory, Genetic Diagnostics Department
Classification: Likely pathogenic for Achromatopsia 2. Last evaluated: 2025-09-04. Review status: criteria provided, single submitter. Criteria: ACMG Guidelines, 2015. Collection method: clinical testing. Allele origin: germline. Inheritance: Autosomal recessive inheritance. Affected: no. Observed: 1 variant allele.

NM_001298.3(CNGA3):c.479T>C (p.Val160Ala)

Gene: CNGA3 (cyclic nucleotide gated channel subunit alpha 3; plus strand). Cytogenetic location: 2q11.2.
Variant type: single nucleotide variant.
Coding change: c.479T>C on transcript NM_001298.3 (MANE Select); coding-DNA position 479, T replaced by C.
Protein change: p.Val160Ala; replaces valine 160 with alanine.
Molecular consequence: missense variant.
Genome position (GRCh38, 1-based): chr2:98,389,687, T>C. VCF-style: chr2-98389687-T-C. GRCh37 (hg19) VCF-style: chr2-99006150-T-C.
Other names: c.425T>C, p.Val142Ala (NM_001079878.2); short protein forms V142A, V160A.
Identifiers: ClinVar variation 4850290 (VCV004850290.1).
Genomic context (GRCh38, chr2:98,389,687, plus strand): 5'-GTGCGCTGTTTGTGTATGTGTGGGTTTCCAGGAAGAAGACGAAAAAGAAGGATGCGATCG[T>C]GGTGGACCCGTCCAGCAACCTGTACTACCGCTGGCTGACCGCCATCGCCCTGCCTGTCTT-3'
Protein context (NP_001289.1, residues 150-170): EKKTKKKDAI[Val160Ala]VDPSSNLYYR